The following is an entry in ClinVar:

NM_000268.4(NF2):c.240+1G>A

Gene: NF2 (NF2, moesin-ezrin-radixin like (MERLIN) tumor suppressor; plus strand). Cytogenetic location: 22q12.2.
Variant type: single nucleotide variant.
Coding change: c.240+1G>A on transcript NM_000268.4 (MANE Select); the canonical splice donor site of the intron after coding-DNA position 240, G replaced by A.
Molecular consequence: splice donor variant. On other transcripts: 5 prime UTR variant (1), intron variant (6).
Genome position (GRCh38, 1-based): chr22:29,636,877, G>A. VCF-style: chr22-29636877-G-A. GRCh37 (hg19) VCF-style: chr22-30032866-G-A.
Other names: c.-16G>A (NM_001407067.1); c.240+1G>A (NM_016418.5, NM_181832.3, NM_001407060.1 and 10 more transcripts); c.126+1G>A (NM_001407056.1, NM_001407053.1); c.-401+1G>A (NM_001407065.1); c.115-2213G>A (NM_181828.3, NM_001407055.1); c.115-5325G>A (NM_001407063.1, NM_181830.3, NM_001407064.1 and 1 more transcripts).
Identifiers: ClinVar variation 963818 (VCV000963818.13), dbSNP rs587776562, ClinGen allele CA411152736.
Genomic context (GRCh38, chr22:29,636,877, plus strand): 5'-TTCTTTGGACTGCAGTACACAATCAAGGACACAGTGGCCTGGCTCAAAATGGACAAGAAG[G>A]TTGGGCTAGAACTCGATGAAACTGGTGGGGCTGACGTGAGCTTTCCAGTTTTTCCCTGAG-3'

ClinVar aggregate classification (germline): Pathogenic/Likely pathogenic. Review status: criteria provided, multiple submitters, no conflicts (2 of 4 stars). 4 submissions from 4 submitters: Pathogenic (3); Likely pathogenic (1). Last evaluated 2026-06-01.

Conditions:
Hereditary cancer-predisposing syndrome. Also called: Hereditary Cancer Syndrome; Neoplastic Syndromes, Hereditary; Tumor predisposition; Hereditary neoplastic syndrome. Identifiers: Orphanet 140162, MedGen C0027672, MeSH D009386, MONDO:0015356.
NF2-related disorder. Also called: NF2-related condition.
Neurofibromatosis, type 2 (SWNV). Also called: SCHWANNOMATOSIS, VESTIBULAR; BILATERAL ACOUSTIC NEUROFIBROMATOSIS; NF2-Related Schwannomatosis. Identifiers: Orphanet 637, MedGen C0027832, MONDO:0007039, OMIM 101000. Disease mechanism: loss of function.

Submissions (4):

Ambry Genetics
Classification: Pathogenic for Hereditary cancer-predisposing syndrome. Last evaluated: 2026-06-01. Review status: criteria provided, single submitter. Criteria: Ambry Variant Classification Scheme 2023. Collection method: clinical testing. Allele origin: germline.
Comment: The c.240+1G>A intronic pathogenic mutation results from a G to A substitution one nucleotide after coding exon 2 of the NF2 gene. Variants that disrupt the canonical splice site are expected to result in aberrant splicing. In silico splice site analysis predicts that this alteration will weaken the native splice donor site and may result in the creation or strengthening of a novel splice donor site. A resulting transcript is predicted to be in-frame and is not expected to trigger nonsense-mediated mRNA decay; although, direct evidence is unavailable. However, the region predicted to be impacted is critical for protein function (Ambry internal data). RNA studies have demonstrated that this variant results in abnormal splicing in the set of samples tested (Ambry internal data). This variant was reported in individuals with features consistent with NF2-related schwannomatosis (Taniguchi H et al. Pulm Circ, 2021 Jul;11:20458940211029550; Louvrier C et al. Neuro Oncol, 2018 Jun;20:917-929; Ambry internal data). This variant is considered to be rare based on population cohorts in the Genome Aggregation Database (gnomAD). This nucleotide position is highly conserved in available vertebrate species. Based on the supporting evidence, this variant is interpreted as a disease-causing mutation.

All of Us Research Program, National Institutes of Health
Classification: Likely pathogenic for Neurofibromatosis, type 2. Last evaluated: 2024-06-09. Review status: criteria provided, single submitter. Criteria: ACMG Guidelines, 2015. Collection method: clinical testing. Allele origin: germline. Inheritance: Autosomal dominant inheritance. Observed: 1 variant allele, 1 heterozygote.
Comment: This variant causes a G to A nucleotide substitution at the +1 position of intron 2 of the NF2 gene. Splice site prediction tools suggest that this variant may have a significant impact on RNA splicing. Although this prediction has not been confirmed in published RNA studies, this variant is expected to result in an absent or disrupted protein product. This variant has been reported in an individual affected with neurofibromatosis type 2 (PMID: 34285798). This variant has not been identified in the general population by the Genome Aggregation Database (gnomAD). Different variants affecting the same splice donor site, c.240+1G>C and c.240+1G>T, are known to be disease-causing (ClinVar Variation ID: 848788, 3283). Loss of NF2 function is a known mechanism of disease. Based on the available evidence, this variant is classified as Likely Pathogenic.

This study involves interpretation of variants in research participants for the purpose of population health screening. Participant phenotype was not available at the time of variant classification. Additional details can be found in publication PMID: 35346344, PMCID: PMC8962531

Labcorp Genetics (formerly Invitae), Labcorp
Classification: Pathogenic for Neurofibromatosis, type 2. Last evaluated: 2023-12-08. Review status: criteria provided, single submitter. Criteria: Invitae Variant Classification Sherloc (09022015). Collection method: clinical testing. Allele origin: germline.
Comment: This sequence change affects a donor splice site in intron 2 of the NF2 gene. RNA analysis indicates that disruption of this splice site induces altered splicing and likely disrupts the C-terminus of the protein. This variant is not present in population databases (gnomAD no frequency). Disruption of this splice site has been observed in individuals with neurofibromatosis type 2 (PMID: 7913580, 8379998, 29409008; Invitae). ClinVar contains an entry for this variant (Variation ID: 963818). Studies have shown that disruption of this splice site results in activation of a cryptic splice site and introduces a new termination codon (Invitae). However the mRNA is not expected to undergo nonsense-mediated decay. For these reasons, this variant has been classified as Pathogenic.

PreventionGenetics, part of Exact Sciences
Classification: Pathogenic for NF2-related condition. Last evaluated: 2023-05-02. Review status: criteria provided, single submitter. Criteria: ACMG Guidelines, 2015. Collection method: clinical testing. Allele origin: germline.
Comment: The NF2 c.240+1G>A variant is predicted to disrupt the GT donor site and interfere with normal splicing. This variant has been reported in an individual with neurofibromatosis type 2 (Table S6 - Louvrier et al. 2018. PubMed ID: 29409008). Additionally, different nucleotide substitutions affecting this site (c.240+1G>C and c.240+1G>T) have been reported as pathogenic (MacCollin et al. 1994. PubMed ID: 7913580; Table S1 - Ahronowitz et al. 2007. PubMed ID: 16983642; Table S6 - Louvrier et al. 2018. PubMed ID: 29409008). This variant has not been reported in a large population database, indicating this variant is rare. In ClinVar this variant has been interpreted as pathogenic. Variants that disrupt the consensus splice donor site in NF2 are expected to be pathogenic. This variant is interpreted as pathogenic.

Literature cited by the submitters: PubMed 29409008 (cited by Ambry Genetics and Labcorp Genetics (formerly Invitae), Labcorp); PubMed 34285798 (cited by Ambry Genetics and All of Us Research Program, National Institutes of Health); PubMed 7913580 (cited by Labcorp Genetics (formerly Invitae), Labcorp); PubMed 8379998 (cited by Labcorp Genetics (formerly Invitae), Labcorp).